The following is an entry in ClinVar:

ClinVar aggregate classification (germline): Uncertain significance (1 of 4 stars; one submission).

Conditions:
Pierson syndrome. Also called: MICROCORIA-CONGENITAL NEPHROTIC SYNDROME. Identifiers: Orphanet 2670, MedGen C1836876, MONDO:0012184, OMIM 609049.
LAMB2-related infantile-onset nephrotic syndrome. Also called: NEPHROTIC SYNDROME, TYPE 5, WITHOUT OCULAR ABNORMALITIES; NEPHROTIC SYNDROME, TYPE 5, WITH OCULAR ABNORMALITIES; Nephrotic Syndrome, type 5. Identifiers: Orphanet 306507, MedGen C3280113, MONDO:0013621, OMIM 614199.

Submission:

Labcorp Genetics (formerly Invitae), Labcorp
Classification: Uncertain significance for LAMB2-related infantile-onset nephrotic syndrome; Pierson syndrome. Last evaluated: 2025-08-11. Review status: criteria provided, single submitter. Criteria: Invitae Variant Classification Sherloc (09022015). Collection method: clinical testing. Allele origin: germline.
Comment: This sequence change replaces aspartic acid, which is acidic and polar, with glycine, which is neutral and non-polar, at codon 1450 of the LAMB2 protein (p.Asp1450Gly). This variant is not present in population databases (gnomAD no frequency). This variant has not been reported in the literature in individuals affected with LAMB2-related conditions. ClinVar contains an entry for this variant (Variation ID: 1057085). An algorithm developed to predict the effect of missense changes on protein structure and function (PolyPhen-2) suggests that this variant is likely to be disruptive. In summary, the available evidence is currently insufficient to determine the role of this variant in disease. Therefore, it has been classified as a Variant of Uncertain Significance.

NM_002292.4(LAMB2):c.4349A>G (p.Asp1450Gly)

Gene: LAMB2 (laminin subunit beta 2; minus strand). Cytogenetic location: 3p21.31.
Variant type: single nucleotide variant.
Coding change: c.4349A>G on transcript NM_002292.4 (MANE Select); coding-DNA position 4349, A replaced by G.
Protein change: p.Asp1450Gly; replaces aspartic acid 1450 with glycine.
Molecular consequence: missense variant.
Genome position (GRCh38, 1-based): chr3:49,122,928, T>C on the plus strand (A>G on the coding strand, the complement: LAMB2 is on the minus strand). VCF-style: chr3-49122928-T-C. GRCh37 (hg19) VCF-style: chr3-49160361-T-C.
Other names: short protein forms D1450G.
Identifiers: ClinVar variation 1057085 (VCV001057085.5), dbSNP rs2107637062, ClinGen allele CA352693884.